The following is an entry in ClinVar:

ClinVar aggregate classification (germline): Uncertain significance (1 of 4 stars; one submission).

Conditions:
Cardiovascular phenotype. Identifiers: MedGen CN230736.

Submission:

Ambry Genetics
Classification: Uncertain significance for Cardiovascular phenotype. Last evaluated: 2022-03-19. Review status: criteria provided, single submitter. Criteria: Ambry Variant Classification Scheme 2023. Collection method: clinical testing. Allele origin: germline.
Comment: The p.N486S variant (also known as c.1457A>G), located in coding exon 13 of the CACNB2 gene, results from an A to G substitution at nucleotide position 1457. The asparagine at codon 486 is replaced by serine, an amino acid with highly similar properties. This amino acid position is conserved. In addition, this alteration is predicted to be tolerated by in silico analysis. Since supporting evidence is limited at this time, the clinical significance of this alteration remains unclear.

NM_201596.3(CACNB2):c.1619A>G (p.Asn540Ser)

Gene: CACNB2 (calcium voltage-gated channel auxiliary subunit beta 2; plus strand). Cytogenetic location: 10p12.31.
Variant type: single nucleotide variant.
Coding change: c.1619A>G on transcript NM_201596.3 (MANE Select); coding-DNA position 1619, A replaced by G.
Protein change: p.Asn540Ser; replaces asparagine 540 with serine.
Molecular consequence: missense variant.
Genome position (GRCh38, 1-based): chr10:18,539,360, A>G. VCF-style: chr10-18539360-A-G. GRCh37 (hg19) VCF-style: chr10-18828289-A-G.
Other names: c.1454A>G, p.Asn485Ser (NM_000724.4); c.1421A>G, p.Asn474Ser (NM_001167945.2); c.1340A>G, p.Asn447Ser (NM_001330060.2); c.1361A>G, p.Asn454Ser (NM_001410882.1); c.1475A>G, p.Asn492Ser (NM_201570.3); c.1535A>G, p.Asn512Ser (NM_201571.4); c.1463A>G, p.Asn488Ser (NM_201572.4); c.1457A>G, p.Asn486Ser (NM_201590.3); and 2 more; short protein forms N454S, N502S, N516S, N447S, N474S, N488S, N492S, N485S.
Identifiers: ClinVar variation 1773069 (VCV001773069.2), dbSNP rs2494910754, ClinGen allele CA376071514.
Genomic context (GRCh38, chr10:18,539,360, plus strand): 5'-CTAGTGTGGAACCAGTCAAGAAATCCCAGCACCGCTCTTCCTCCTCAGCCCCACACCACA[A>G]CCATCGCAGTGGGACAAGTCGCGGCCTCTCCAGGCAAGAGACATTTGACTCGGAAACCCA-3'
Protein context (NP_963890.2, residues 530-550): HRSSSSAPHH[Asn540Ser]HRSGTSRGLS